The following is an entry in ClinVar:

ClinVar aggregate classification (germline): Uncertain significance (1 of 4 stars; one submission).

Conditions:
Johanson-Blizzard syndrome (JBS). Also called: Nasal alar hypoplasia, hypothyroidism, pancreatic achylia and congenital deafness. Identifiers: Orphanet 2315, MedGen C0175692, MONDO:0009479, OMIM 243800.

Submission:

Illumina Laboratory Services, Illumina
Classification: Uncertain significance for Johanson-Blizzard syndrome. Last evaluated: 2021-04-06. Review status: criteria provided, single submitter. Criteria: ICSLVariantClassificationCriteria RUGD 01 April 2020. Collection method: clinical testing. Allele origin: unknown.
Comment: The UBR1 c.3848+5G>A variant is an intronic variant. A literature search was performed for the gene and cDNA change. No publications were found based on this search. This variant is not found in the Genome Aggregation Database in a region of good sequence coverage, so the variant is presumed to be rare. Based on the limited evidence, the c.3848+5G>A variant is classified as a variant of uncertain significance for Johanson-Blizzard syndrome.

NM_174916.3(UBR1):c.3848+5G>A

Gene: UBR1 (ubiquitin protein ligase E3 component n-recognin 1; minus strand). Cytogenetic location: 15q15.2.
Variant type: single nucleotide variant.
Coding change: c.3848+5G>A on transcript NM_174916.3 (MANE Select); 5 bases into the intron after coding-DNA position 3848, G replaced by A.
Molecular consequence: intron variant.
Genome position (GRCh38, 1-based): chr15:42,990,025, C>T on the plus strand (G>A on the coding strand, the complement: UBR1 is on the minus strand). VCF-style: chr15-42990025-C-T. GRCh37 (hg19) VCF-style: chr15-43282223-C-T.
Identifiers: ClinVar variation 1328529 (VCV001328529.4), dbSNP rs2141276718, ClinGen allele CA2573054008.